The following is an entry in ClinVar:

NM_201384.3(PLEC):c.13259G>A (p.Arg4420His)

Gene: PLEC (plectin; minus strand). Cytogenetic location: 8q24.3.
Variant type: single nucleotide variant.
Coding change: c.13259G>A on transcript NM_201384.3 (MANE Select); coding-DNA position 13259, G replaced by A.
Protein change: p.Arg4420His; replaces arginine 4420 with histidine.
Molecular consequence: missense variant.
Genome position (GRCh38, 1-based): chr8:143,916,562, C>T on the plus strand (G>A on the coding strand, the complement: PLEC is on the minus strand). VCF-style: chr8-143916562-C-T. GRCh37 (hg19) VCF-style: chr8-144990730-C-T.
Other names: c.13340G>A (NM_000445.4, NM_000445.3); c.13340G>A, p.Arg4447His (NM_000445.5); c.13217G>A, p.Arg4406His (NM_201378.4); c.13193G>A, p.Arg4398His (NM_201379.3); c.13670G>A, p.Arg4557His (NM_201380.4); c.13163G>A, p.Arg4388His (NM_201381.3); c.13259G>A, p.Arg4420His (NM_201382.4); c.13271G>A, p.Arg4424His (NM_201383.3); short protein forms R4420H, R4447H, R4398H, R4406H, R4388H, R4424H, R4557H.
Identifiers: ClinVar variation 1040143 (VCV001040143.11), dbSNP rs782580027, ClinGen allele CA4923863.

ClinVar aggregate classification (germline): Uncertain significance. Review status: criteria provided, multiple submitters, no conflicts (2 of 4 stars). 3 submissions from 3 submitters: Uncertain significance (3). Last evaluated 2026-07-07.

Conditions:
PLEC-related disorder. Also called: PLEC-related disorders; PLEC-related condition.
Epidermolysis bullosa simplex 5B, with muscular dystrophy (EBS5B). Also called: Epidermolysis bullosa simplex with muscular dystrophy; EPIDERMOLYSIS BULLOSA SIMPLEX AND LIMB-GIRDLE MUSCULAR DYSTROPHY. Identifiers: Orphanet 257, MedGen C2931072, MONDO:0009181, OMIM 226670.
Epidermolysis bullosa simplex with nail dystrophy (EBS5D). Identifiers: MedGen C4225309, MONDO:0014661, OMIM 616487.
Epidermolysis bullosa simplex 5C, with pyloric atresia (EBS5C). Also called: PLEC-Related Epidermolysis Bullosa with Pyloric Atresia; Epidermolysis bullosa simplex with pyloric atresia; PLEC1-Related Epidermolysis Bullosa with Pyloric Atresia. Identifiers: Orphanet 158684, MedGen C2677349, MONDO:0012807, OMIM 612138.
Epidermolysis bullosa simplex, Ogna type (EBS5A). Also called: Pidermolysis bullosa simplex 5A, Ogna type; EPIDERMOLYSIS BULLOSA SIMPLEX 5A, OGNA TYPE. Identifiers: Orphanet 79401, MedGen C0432317, MONDO:0007555, OMIM 131950.
Autosomal recessive limb-girdle muscular dystrophy type 2Q (LGMDR17). Also called: MUSCULAR DYSTROPHY, LIMB-GIRDLE, AUTOSOMAL RECESSIVE 17. Identifiers: Orphanet 254361, MedGen C3150989, MONDO:0013390, OMIM 613723.
Inborn genetic diseases. Identifiers: MedGen C0950123, MeSH D030342.

Allele frequency attached by ClinVar (database versions not stated): ExAC 0.00001; gnomAD 0.00001; gnomAD exomes 0.00002; TOPMed 0.00003.
gnomAD v4.1: 28 of 1,611,562 alleles (0.0017%); highest among the groups gnomAD compares: East Asian, 0.0022%; no homozygotes.

Submissions (3):

PreventionGenetics, part of Exact Sciences
Classification: Uncertain significance for PLEC-related condition. Last evaluated: 2026-07-07. Review status: criteria provided, single submitter. Criteria: ACMG Guidelines, 2015. Collection method: clinical testing. Allele origin: germline.
Comment: The PLEC c.13340G>A variant is predicted to result in the amino acid substitution p.Arg4447His. To our knowledge, this variant has not been reported in the literature. This variant is reported in 0.0038% of alleles in individuals of European (Non-Finnish) descent in gnomAD. At this time, the clinical significance of this variant is uncertain due to the absence of conclusive functional and genetic evidence.

Ambry Genetics
Classification: Uncertain significance for Inborn genetic diseases. Last evaluated: 2025-01-16. Review status: criteria provided, single submitter. Criteria: Ambry Variant Classification Scheme 2023. Collection method: clinical testing. Allele origin: germline.

Labcorp Genetics (formerly Invitae), Labcorp
Classification: Uncertain significance for Autosomal recessive limb-girdle muscular dystrophy type 2Q; Epidermolysis bullosa simplex, Ogna type; Epidermolysis bullosa simplex with nail dystrophy; Epidermolysis bullosa simplex 5C, with pyloric atresia; Epidermolysis bullosa simplex 5B, with muscular dystrophy. Last evaluated: 2024-04-15. Review status: criteria provided, single submitter. Criteria: Invitae Variant Classification Sherloc (09022015). Collection method: clinical testing. Allele origin: germline.
Comment: This sequence change replaces arginine, which is basic and polar, with histidine, which is basic and polar, at codon 4447 of the PLEC protein (p.Arg4447His). This variant is present in population databases (rs782580027, gnomAD 0.004%). This variant has not been reported in the literature in individuals affected with PLEC-related conditions. ClinVar contains an entry for this variant (Variation ID: 1040143). Advanced modeling of protein sequence and biophysical properties (such as structural, functional, and spatial information, amino acid conservation, physicochemical variation, residue mobility, and thermodynamic stability) performed at Invitae indicates that this missense variant is not expected to disrupt PLEC protein function with a negative predictive value of 80%. In summary, the available evidence is currently insufficient to determine the role of this variant in disease. Therefore, it has been classified as a Variant of Uncertain Significance.